The following is an entry in ClinVar:

NM_000426.4(LAMA2):c.4547G>T (p.Ser1516Ile)

Gene: LAMA2 (laminin subunit alpha 2; plus strand). Cytogenetic location: 6q22.33.
Variant type: single nucleotide variant.
Coding change: c.4547G>T on transcript NM_000426.4 (MANE Select); coding-DNA position 4547, G replaced by T.
Protein change: p.Ser1516Ile; replaces serine 1516 with isoleucine.
Molecular consequence: missense variant.
Genome position (GRCh38, 1-based): chr6:129,353,187, G>T. VCF-style: chr6-129353187-G-T. GRCh37 (hg19) VCF-style: chr6-129674332-G-T.
Other names: c.4547G>T, p.Ser1516Ile (NM_001079823.2); short protein forms S1516I.
Identifiers: ClinVar variation 2189649 (VCV002189649.4), dbSNP rs2482575115, ClinGen allele CA365618472.

ClinVar aggregate classification (germline): Uncertain significance (1 of 4 stars; one submission).

Conditions:
LAMA2-related muscular dystrophy (LAMA2-RD). Also called: Laminin alpha 2-related dystrophy. Identifiers: MedGen C5679788, MONDO:0100228.

gnomAD v4.1: 1 of 1,613,778 alleles (0.000062%); highest among the groups gnomAD compares: Admixed American, 0.0017%; no homozygotes.

Submission:

Labcorp Genetics (formerly Invitae), Labcorp
Classification: Uncertain significance for LAMA2-related muscular dystrophy. Last evaluated: 2022-11-01. Review status: criteria provided, single submitter. Criteria: Invitae Variant Classification Sherloc (09022015). Collection method: clinical testing. Allele origin: germline.
Comment: This sequence change replaces serine, which is neutral and polar, with isoleucine, which is neutral and non-polar, at codon 1516 of the LAMA2 protein (p.Ser1516Ile). This variant is not present in population databases (gnomAD no frequency). This variant has not been reported in the literature in individuals affected with LAMA2-related conditions. Advanced modeling of protein sequence and biophysical properties (such as structural, functional, and spatial information, amino acid conservation, physicochemical variation, residue mobility, and thermodynamic stability) performed at Invitae indicates that this missense variant is not expected to disrupt LAMA2 protein function. In summary, the available evidence is currently insufficient to determine the role of this variant in disease. Therefore, it has been classified as a Variant of Uncertain Significance.